The following is an entry in ClinVar:

NM_001374736.1(DST):c.21811G>A (p.Glu7271Lys)

Gene: DST (dystonin; minus strand). Cytogenetic location: 6p12.1.
Variant type: single nucleotide variant.
Coding change: c.21811G>A on transcript NM_001374736.1 (MANE Select); coding-DNA position 21811, G replaced by A.
Protein change: p.Glu7271Lys; replaces glutamic acid 7271 with lysine.
Molecular consequence: missense variant.
Genome position (GRCh38, 1-based): chr6:56,476,202, C>T on the plus strand (G>A on the coding strand, the complement: DST is on the minus strand). VCF-style: chr6-56476202-C-T. GRCh37 (hg19) VCF-style: chr6-56341000-C-T.
Other names: c.15454G>A, p.Glu5152Lys (NM_001144769.5); c.15040G>A, p.Glu5014Lys (NM_001144770.2); c.21811G>A, p.Glu7271Lys (NM_001374722.1); c.20851G>A, p.Glu6951Lys (NM_001374729.1); c.13942G>A, p.Glu4648Lys (NM_015548.5); c.14920G>A, p.Glu4974Lys (NM_183380.4, NM_001386100.1); c.14593G>A, p.Glu4865Lys (NM_001374730.1); c.21838G>A, p.Glu7280Lys (NM_001374734.1); short protein forms E4974K, E7271K, E6951K, E4648K, E4865K, E5014K, E5152K, E7280K.
Identifiers: ClinVar variation 1976058 (VCV001976058.5), dbSNP rs1273443313, ClinGen allele CA364510213.
Genomic context (GRCh38, chr6:56,476,202, plus strand): 5'-ATTTTACCTGGTGTTCTGCAATGAGTGCTTTCACCTCTTCGATCTCCTGGGGGATGACTT[C>T]TTTATCCTTATCAGTAAGTGTAGTTTCAGCCCATTGCAACCAAGCCAGCAAAGCTTCCAA-3'
Protein context (NP_001361665.1, residues 7261-7281): AETTLTDKDK[Glu7271Lys]VIPQEIEEVK

ClinVar aggregate classification (germline): Uncertain significance (1 of 4 stars; one submission).

Conditions:
Hereditary sensory and autonomic neuropathy type 6. Also called: Neuropathy, hereditary sensory and autonomic, type VI; HSAN VI. Identifiers: Orphanet 314381, MedGen C3539003, MONDO:0013839, OMIM 614653.
Epidermolysis bullosa simplex 3, localized or generalized intermediate, with BP230 deficiency (EBS3). Also called: Epidermolysis bullosa simplex, autosomal recessive 2; Epidermolysis bullosa simplex due to BP230 deficiency. Identifiers: Orphanet 412181, MedGen C3809470, MONDO:0014180, OMIM 615425.

Allele frequency attached by ClinVar (database versions not stated): gnomAD exomes below 0.00001.
gnomAD v4.1: 1 of 1,613,166 alleles (0.000062%); highest among the groups gnomAD compares: Non-Finnish European, 0.000085%; no homozygotes.

Submission:

Labcorp Genetics (formerly Invitae), Labcorp
Classification: Uncertain significance for Epidermolysis bullosa simplex 3, localized or generalized intermediate, with BP230 deficiency; Hereditary sensory and autonomic neuropathy type 6. Last evaluated: 2022-07-22. Review status: criteria provided, single submitter. Criteria: Invitae Variant Classification Sherloc (09022015). Collection method: clinical testing. Allele origin: germline.
Comment: Experimental studies and prediction algorithms are not available or were not evaluated, and the functional significance of this variant is currently unknown. In summary, the available evidence is currently insufficient to determine the role of this variant in disease. Therefore, it has been classified as a Variant of Uncertain Significance. This variant has not been reported in the literature in individuals affected with DST-related conditions. The DST gene has multiple clinically relevant transcripts. This variant occurs in alternate transcript NM_015548.4:c.13942G>A, and corresponds to NM_001723.5:c.*139315G>A in the primary transcript. This sequence change replaces glutamic acid, which is acidic and polar, with lysine, which is basic and polar, at codon 4648 of the DST protein (p.Glu4648Lys). This variant is present in population databases (no rsID available, gnomAD 0.0009%).